The following is an entry in ClinVar:

ClinVar aggregate classification (germline): Uncertain significance. Review status: criteria provided, multiple submitters, no conflicts (2 of 4 stars). 2 submissions from 2 submitters: Uncertain significance (2). Last evaluated 2024-05-08.

Conditions:
Bethlem myopathy 1A. Also called: MYOPATHY, BENIGN CONGENITAL, WITH CONTRACTURES; Bethlem myopathy 1; Bethlem Muscular Dystrophy. Identifiers: Orphanet 610, MedGen CN029274, MONDO:0024530, OMIM 158810.
Collagen 6-related myopathy. Identifiers: MedGen CN117976, MONDO:0100225.

Allele frequency attached by ClinVar (database versions not stated): TOPMed 0.00001; gnomAD 0.00002.
gnomAD v4.1: 35 of 1,614,048 alleles (0.0022%); highest among the groups gnomAD compares: Non-Finnish European, 0.0027%; no homozygotes.

Submissions (2):

Illumina Laboratory Services, Illumina
Classification: Uncertain significance for Collagen 6-related myopathy. Last evaluated: 2024-05-08. Review status: criteria provided, single submitter. Criteria: ICSLVariantClassificationCriteria RUGD 01 April 2020. Collection method: clinical testing. Allele origin: unknown.

Labcorp Genetics (formerly Invitae), Labcorp
Classification: Uncertain significance for Bethlem myopathy 1A. Last evaluated: 2024-03-12. Review status: criteria provided, single submitter. Criteria: Invitae Variant Classification Sherloc (09022015). Collection method: clinical testing. Allele origin: germline.
Comment: This sequence change replaces arginine, which is basic and polar, with tryptophan, which is neutral and slightly polar, at codon 935 of the COL6A3 protein (p.Arg935Trp). This variant is present in population databases (no rsID available, gnomAD 0.002%). This variant has not been reported in the literature in individuals affected with COL6A3-related conditions. Advanced modeling of protein sequence and biophysical properties (such as structural, functional, and spatial information, amino acid conservation, physicochemical variation, residue mobility, and thermodynamic stability) performed at Invitae indicates that this missense variant is expected to disrupt COL6A3 protein function with a positive predictive value of 80%. In summary, the available evidence is currently insufficient to determine the role of this variant in disease. Therefore, it has been classified as a Variant of Uncertain Significance.

NM_004369.4(COL6A3):c.2803C>T (p.Arg935Trp)

Gene: COL6A3 (collagen type VI alpha 3 chain; minus strand). Cytogenetic location: 2q37.3.
Variant type: single nucleotide variant.
Coding change: c.2803C>T on transcript NM_004369.4 (MANE Select); coding-DNA position 2803, C replaced by T.
Protein change: p.Arg935Trp; replaces arginine 935 with tryptophan.
Molecular consequence: missense variant.
Genome position (GRCh38, 1-based): chr2:237,377,039, G>A on the plus strand (C>T on the coding strand, the complement: COL6A3 is on the minus strand). VCF-style: chr2-237377039-G-A. GRCh37 (hg19) VCF-style: chr2-238285682-G-A.
Other names: c.1582C>T, p.Arg528Trp (NM_057164.5); c.2185C>T, p.Arg729Trp (NM_057165.5, NM_057167.4); c.982C>T, p.Arg328Trp (NM_057166.5); short protein forms R328W, R528W, R729W, R935W.
Identifiers: ClinVar variation 3062127 (VCV003062127.4), dbSNP rs1472126541, ClinGen allele CA351209973.